The following is an entry in ClinVar:

NM_201384.3(PLEC):c.10944G>A (p.Thr3648=)

Gene: PLEC (plectin; minus strand). Cytogenetic location: 8q24.3.
Variant type: single nucleotide variant.
Coding change: c.10944G>A on transcript NM_201384.3 (MANE Select); coding-DNA position 10944, G replaced by A.
Protein change: p.Thr3648=; no amino-acid change (threonine 3648 retained).
Molecular consequence: synonymous variant.
Genome position (GRCh38, 1-based): chr8:143,918,877, C>T on the plus strand (G>A on the coding strand, the complement: PLEC is on the minus strand). VCF-style: chr8-143918877-C-T. GRCh37 (hg19) VCF-style: chr8-144993045-C-T.
Other names: c.11025G>A, p.Thr3675= (NM_000445.5); c.10902G>A, p.Thr3634= (NM_201378.4); c.10878G>A, p.Thr3626= (NM_201379.3); c.11355G>A, p.Thr3785= (NM_201380.4); c.10848G>A, p.Thr3616= (NM_201381.3); c.10944G>A, p.Thr3648= (NM_201382.4); c.10956G>A, p.Thr3652= (NM_201383.3).
Identifiers: ClinVar variation 577160 (VCV000577160.12), dbSNP rs201659441, ClinGen allele CA4924485.

ClinVar aggregate classification (germline): Likely benign. Review status: criteria provided, single submitter (1 of 4 stars). 2 submissions from 2 submitters: Likely benign (1). 1 of the submissions does not count toward it. Last evaluated 2025-08-29.

Conditions:
PLEC-related disorder. Also called: PLEC-related disorders; PLEC-related condition.
Epidermolysis bullosa simplex 5B, with muscular dystrophy (EBS5B). Also called: EPIDERMOLYSIS BULLOSA SIMPLEX AND LIMB-GIRDLE MUSCULAR DYSTROPHY; Epidermolysis bullosa simplex with muscular dystrophy. Identifiers: Orphanet 257, MedGen C2931072, MONDO:0009181, OMIM 226670.
Epidermolysis bullosa simplex, Ogna type (EBS5A). Also called: Pidermolysis bullosa simplex 5A, Ogna type; EPIDERMOLYSIS BULLOSA SIMPLEX 5A, OGNA TYPE. Identifiers: Orphanet 79401, MedGen C0432317, MONDO:0007555, OMIM 131950.
Autosomal recessive limb-girdle muscular dystrophy type 2Q (LGMDR17). Also called: MUSCULAR DYSTROPHY, LIMB-GIRDLE, AUTOSOMAL RECESSIVE 17. Identifiers: Orphanet 254361, MedGen C3150989, MONDO:0013390, OMIM 613723.
Epidermolysis bullosa simplex with nail dystrophy (EBS5D). Identifiers: MedGen C4225309, MONDO:0014661, OMIM 616487.
Epidermolysis bullosa simplex 5C, with pyloric atresia (EBS5C). Also called: PLEC-Related Epidermolysis Bullosa with Pyloric Atresia; Epidermolysis bullosa simplex with pyloric atresia; PLEC1-Related Epidermolysis Bullosa with Pyloric Atresia. Identifiers: Orphanet 158684, MedGen C2677349, MONDO:0012807, OMIM 612138.

Allele frequency attached by ClinVar (database versions not stated): gnomAD exomes 0.00001 and 0.00005; ExAC 0.00002; gnomAD 0.00003 and 0.00004; TOPMed 0.00005; ESP Exome Variant Server 0.00008.

Submissions (2):

Labcorp Genetics (formerly Invitae), Labcorp
Classification: Likely benign for Autosomal recessive limb-girdle muscular dystrophy type 2Q; Epidermolysis bullosa simplex, Ogna type; Epidermolysis bullosa simplex with nail dystrophy; Epidermolysis bullosa simplex 5C, with pyloric atresia; Epidermolysis bullosa simplex 5B, with muscular dystrophy. Last evaluated: 2025-08-29. Review status: criteria provided, single submitter. Criteria: Invitae Variant Classification Sherloc (09022015). Collection method: clinical testing. Allele origin: germline.

PreventionGenetics, part of Exact Sciences
Classification: Likely benign for PLEC-related condition. Last evaluated: 2023-10-05. Review status: no assertion criteria provided. Collection method: clinical testing. Allele origin: germline. Not counted in ClinVar's aggregate classification.
Comment: This variant is classified as likely benign based on ACMG/AMP sequence variant interpretation guidelines (Richards et al. 2015 PMID: 25741868, with internal and published modifications).